The following is an entry in ClinVar:

NM_003124.5(SPR):c.256C>T (p.Leu86Phe)

Gene: SPR (sepiapterin reductase; plus strand). Cytogenetic location: 2p13.2.
Variant type: single nucleotide variant.
Coding change: c.256C>T on transcript NM_003124.5 (MANE Select); coding-DNA position 256, C replaced by T.
Protein change: p.Leu86Phe; replaces leucine 86 with phenylalanine.
Molecular consequence: missense variant.
Genome position (GRCh38, 1-based): chr2:72,887,688, C>T. VCF-style: chr2-72887688-C-T. GRCh37 (hg19) VCF-style: chr2-73114817-C-T.
Other names: short protein forms L86F.
Identifiers: ClinVar variation 3572935 (VCV003572935.1).

ClinVar aggregate classification (germline): Uncertain significance (1 of 4 stars; one submission).

Conditions:
Dopa-responsive dystonia due to sepiapterin reductase deficiency. Also called: SPR DEFICIENCY; Sepiapterin reductase deficiency; DYT-SPR. Identifiers: Orphanet 70594, MedGen C0268468, MONDO:0012994, OMIM 612716.

Submission:

Department of Human Genetics, Hannover Medical School
Classification: Uncertain significance for Dopa-responsive dystonia due to sepiapterin reductase deficiency. Last evaluated: 2025-01-17. Review status: criteria provided, single submitter. Criteria: ACMG Guidelines, 2015. Collection method: clinical testing. Allele origin: germline. Affected: yes.
Comment: ACMG: PM2_Supporting